The following is an entry in ClinVar:

NM_000111.3(SLC26A3):c.1515-2del

Gene: SLC26A3 (solute carrier family 26 member 3; minus strand). Cytogenetic location: 7q22.3.
Variant type: Deletion.
Coding change: c.1515-2del on transcript NM_000111.3 (MANE Select); the canonical splice acceptor site of the intron before coding-DNA position 1515, one base deleted (A; older notation c.1515-2delA).
Molecular consequence: splice acceptor variant.
Genome position (GRCh38, 1-based): chr7:107,776,708, T deleted on the plus strand (A on the coding strand, the reverse complement: SLC26A3 is on the minus strand). VCF-style (leftmost placement, unchanged base first): chr7-107776707-CT-C. GRCh37 (hg19) VCF-style: chr7-107417152-CT-C.
Other names: c.1515-2delA (NM_000111.2).
Identifiers: ClinVar variation 55976 (VCV000055976.4), dbSNP rs386833458, ClinGen allele CA144061.
Genomic context (GRCh38, chr7:107,776,707, plus strand): 5'-TCTTTTTTATTCTTATAGATGTTGGTTCTTCCAATATTAGCCAGCGTGCTGCATTTTGGA[CT>C]GTAGGGAGAAAAACACCAAGTAAATCATTCATGTATGTTTGTTAAGCCTATAAGGCTAAC-3'

ClinVar aggregate classification (germline): Pathogenic/Likely pathogenic. Review status: criteria provided, multiple submitters, no conflicts (2 of 4 stars). 3 submissions from 3 submitters: Pathogenic (1); Likely pathogenic (1). 1 of the submissions does not count toward it. Last evaluated 2024-09-22.

Conditions:
SLC26A3-related disorder. Also called: SLC26A3-related condition.
Congenital secretory diarrhea, chloride type (DIAR1). Also called: DIARRHEA 1, SECRETORY CHLORIDE, CONGENITAL; CHLORIDE DIARRHEA, CONGENITAL, FINNISH TYPE; CHLORIDORRHEA, CONGENITAL. Identifiers: Orphanet 53689, MedGen C0267662, MONDO:0008964, OMIM 214700.

Submissions (3):

Genomic Medicine Center of Excellence, King Faisal Specialist Hospital and Research Centre
Classification: Likely pathogenic for Congenital secretory diarrhea, chloride type. Last evaluated: 2024-09-22. Review status: criteria provided, single submitter. Criteria: ACMG Guidelines, 2015. Collection method: clinical testing. Allele origin: germline.

Blueprint Genetics
Classification: Pathogenic for SLC26A3-related disorders. Last evaluated: 2024-09-17. Review status: criteria provided, single submitter. Criteria: ACMG Guidelines, 2015. Collection method: clinical testing. Allele origin: germline. Affected: yes. Observed: 4 variant alleles.

Juha Muilu Group; Institute for Molecular Medicine Finland (FIMM)
Classification: Likely pathogenic for Congenital secretory diarrhea, chloride type. Review status: no assertion criteria provided. Collection method: not provided. Allele origin: unknown. Not counted in ClinVar's aggregate classification.
Comment: FinDis database variant: This variant was not found or characterized by our laboratory, data were collected from public sources: see reference
ClinVar note: Converted during submission from probable-pathogenic to Likely pathogenic.